The following is an entry in ClinVar:

NM_003742.4(ABCB11):c.2628C>T (p.Ile876=)

Genes: ABCB11 (ATP binding cassette subfamily B member 11; minus strand), LOC126806400 (CDK7 strongly-dependent group 2 enhancer GRCh37_chr2:169791870-169793069; plus strand). Cytogenetic location: 2q31.1.
Variant type: single nucleotide variant.
Coding change: c.2628C>T on transcript NM_003742.4 (MANE Select); coding-DNA position 2628, C replaced by T.
Protein change: p.Ile876=; no amino-acid change (isoleucine 876 retained).
Molecular consequence: synonymous variant.
Genome position (GRCh38, 1-based): chr2:168,936,416, G>A on the plus strand (C>T on the coding strand, the complement: ABCB11 is on the minus strand). VCF-style: chr2-168936416-G-A. GRCh37 (hg19) VCF-style: chr2-169792926-G-A.
Other names: c.2628C>T, p.Ile876= (LRG_1199t1); c.2628C>T (NM_003742.2).
Identifiers: ClinVar variation 596797 (VCV000596797.17), dbSNP rs200127070, ClinGen allele CA1951220.

ClinVar aggregate classification (germline): Conflicting classifications of pathogenicity. Review status: criteria provided, conflicting classifications (1 of 4 stars). 3 submissions from 3 submitters: Uncertain significance (1); Likely benign (1). 1 of the submissions does not count toward it. Last evaluated 2024-01-18.

Conditions:
ABCB11-related disorder. Also called: ABCB11-related condition.

Allele frequency attached by ClinVar (database versions not stated): gnomAD 0.00001; TOPMed 0.00002; ESP Exome Variant Server 0.00008.

Submissions (3):

Labcorp Genetics (formerly Invitae), Labcorp
Classification: Likely benign. Last evaluated: 2024-01-18. Review status: criteria provided, single submitter. Criteria: Invitae Variant Classification Sherloc (09022015). Collection method: clinical testing. Allele origin: germline.

Eurofins Ntd Llc (ga)
Classification: Uncertain significance. Last evaluated: 2018-04-06. Review status: criteria provided, single submitter. Criteria: EGL ClinVar v180209 classification definitions. Collection method: clinical testing. Allele origin: germline. Observed: 1 variant allele, 1 heterozygote.

PreventionGenetics, part of Exact Sciences
Classification: Likely benign for ABCB11-related condition. Last evaluated: 2021-12-09. Review status: no assertion criteria provided. Collection method: clinical testing. Allele origin: germline. Not counted in ClinVar's aggregate classification.
Comment: This variant is classified as likely benign based on ACMG/AMP sequence variant interpretation guidelines (Richards et al. 2015 PMID: 25741868, with internal and published modifications).